The following is an entry in ClinVar:

ClinVar aggregate classification (germline): Uncertain significance. Review status: criteria provided, multiple submitters, no conflicts (2 of 4 stars). 3 submissions from 3 submitters: Uncertain significance (3). Last evaluated 2024-11-24.

Conditions:
Inborn genetic diseases. Identifiers: MedGen C0950123, MeSH D030342.

Allele frequency attached by ClinVar (database versions not stated): gnomAD exomes below 0.00001; ExAC 0.00001; gnomAD 0.00004.
gnomAD v4.1: 11 of 1,613,948 alleles (0.00068%); highest among the groups gnomAD compares: African/African-American, 0.013%; no homozygotes.

Submissions (3):

Ambry Genetics
Classification: Uncertain significance for Inborn genetic diseases. Last evaluated: 2024-11-24. Review status: criteria provided, single submitter. Criteria: Ambry Variant Classification Scheme 2023. Collection method: clinical testing. Allele origin: germline.
Comment: The p.D657E variant (also known as c.1971T>A), located in coding exon 18 of the ANKRD26 gene, results from a T to A substitution at nucleotide position 1971. The aspartic acid at codon 657 is replaced by glutamic acid, an amino acid with highly similar properties. This amino acid position is conserved. In addition, this alteration is predicted to be tolerated by in silico analysis. Based on the available evidence, the clinical significance of this variant remains unclear.

GeneDx
Classification: Uncertain significance. Last evaluated: 2023-04-24. Review status: criteria provided, single submitter. Criteria: GeneDx Variant Classification Process June 2021. Collection method: clinical testing. Allele origin: germline. Affected: yes.
Comment: Not observed at significant frequency in large population cohorts (gnomAD); In silico analysis supports that this missense variant does not alter protein structure/function; Has not been previously published as pathogenic or benign to our knowledge

Labcorp Genetics (formerly Invitae), Labcorp
Classification: Uncertain significance. Last evaluated: 2023-02-24. Review status: criteria provided, single submitter. Criteria: Invitae Variant Classification Sherloc (09022015). Collection method: clinical testing. Allele origin: germline.
Comment: In summary, the available evidence is currently insufficient to determine the role of this variant in disease. Therefore, it has been classified as a Variant of Uncertain Significance. An algorithm developed to predict the effect of missense changes on protein structure and function (PolyPhen-2) suggests that this variant is likely to be tolerated. This variant has not been reported in the literature in individuals affected with ANKRD26-related conditions. This variant is present in population databases (rs780924992, gnomAD 0.01%). This sequence change replaces aspartic acid, which is acidic and polar, with glutamic acid, which is acidic and polar, at codon 657 of the ANKRD26 protein (p.Asp657Glu).

NM_014915.3(ANKRD26):c.1971T>A (p.Asp657Glu)

Gene: ANKRD26 (ankyrin repeat domain 26; minus strand). Cytogenetic location: 10p12.1.
Variant type: single nucleotide variant.
Coding change: c.1971T>A on transcript NM_014915.3 (MANE Select); coding-DNA position 1971, T replaced by A.
Protein change: p.Asp657Glu; replaces aspartic acid 657 with glutamic acid.
Molecular consequence: missense variant.
Genome position (GRCh38, 1-based): chr10:27,046,367, A>T on the plus strand (T>A on the coding strand, the complement: ANKRD26 is on the minus strand). VCF-style: chr10-27046367-A-T. GRCh37 (hg19) VCF-style: chr10-27335296-A-T.
Other names: c.1968T>A, p.Asp656Glu (NM_001256053.2); short protein forms D656E, D657E.
Identifiers: ClinVar variation 2662003 (VCV002662003.5), dbSNP rs780924992, ClinGen allele CA5448363.
Genomic context (GRCh38, chr10:27,046,367, plus strand): 5'-CTACTAACCTTCCTCCATAGAAAAATAAAGAAATCATAGATTTTACCTTCCTTCATCCTC[A>T]TCTATTTCACTTAAACTGCTGTCATCATCCACTTGTAGCAGGCCACCAGTTAGTAAACTG-3'
Protein context (NP_055730.2, residues 647-667): VDDDSSLSEI[Asp657Glu]EDEGRPTKKT